The following is an entry in ClinVar:

NM_152594.3(SPRED1):c.182G>T (p.Arg61Leu)

Gene: SPRED1 (sprouty related EVH1 domain containing 1; plus strand). Cytogenetic location: 15q14.
Variant type: single nucleotide variant.
Coding change: c.182G>T on transcript NM_152594.3 (MANE Select); coding-DNA position 182, G replaced by T.
Protein change: p.Arg61Leu; replaces arginine 61 with leucine.
Molecular consequence: missense variant.
Genome position (GRCh38, 1-based): chr15:38,299,522, G>T. VCF-style: chr15-38299522-G-T. GRCh37 (hg19) VCF-style: chr15-38591723-G-T.
Other names: c.182G>T (NM_152594.2); short protein forms R61L.
Identifiers: ClinVar variation 1525083 (VCV001525083.8), dbSNP rs750686148, ClinGen allele CA7470005.

ClinVar aggregate classification (germline): Uncertain significance. Review status: criteria provided, multiple submitters, no conflicts (2 of 4 stars). 2 submissions from 2 submitters: Uncertain significance (2). Last evaluated 2025-02-26.

Conditions:
Cardiovascular phenotype. Identifiers: MedGen CN230736.
Legius syndrome. Identifiers: Orphanet 137605, MedGen C1969623, MONDO:0012669, OMIM 611431. Disease mechanism: loss of function.

gnomAD v4.1: 6 of 1,613,916 alleles (0.00037%); highest among the groups gnomAD compares: Non-Finnish European, 0.00051%; no homozygotes.

Submissions (2):

Ambry Genetics
Classification: Uncertain significance for Cardiovascular phenotype. Last evaluated: 2025-02-26. Review status: criteria provided, single submitter. Criteria: Ambry Variant Classification Scheme 2023. Collection method: clinical testing. Allele origin: germline.
Comment: The p.R61L variant (also known as c.182G>T), located in coding exon 2 of the SPRED1 gene, results from a G to T substitution at nucleotide position 182. The arginine at codon 61 is replaced by leucine, an amino acid with dissimilar properties. This amino acid position is conserved. In addition, the in silico prediction for this alteration is inconclusive. Based on the available evidence, the clinical significance of this variant remains unclear.

Labcorp Genetics (formerly Invitae), Labcorp
Classification: Uncertain significance for Legius syndrome. Last evaluated: 2024-07-30. Review status: criteria provided, single submitter. Criteria: Invitae Variant Classification Sherloc (09022015). Collection method: clinical testing. Allele origin: germline.
Comment: This sequence change replaces arginine, which is basic and polar, with leucine, which is neutral and non-polar, at codon 61 of the SPRED1 protein (p.Arg61Leu). This variant is present in population databases (rs750686148, gnomAD 0.004%). This variant has not been reported in the literature in individuals affected with SPRED1-related conditions. ClinVar contains an entry for this variant (Variation ID: 1525083). Advanced modeling of protein sequence and biophysical properties (such as structural, functional, and spatial information, amino acid conservation, physicochemical variation, residue mobility, and thermodynamic stability) performed at Invitae indicates that this missense variant is not expected to disrupt SPRED1 protein function with a negative predictive value of 80%. In summary, the available evidence is currently insufficient to determine the role of this variant in disease. Therefore, it has been classified as a Variant of Uncertain Significance.